The following is an entry in ClinVar:

ClinVar aggregate classification (germline): Conflicting classifications of pathogenicity. Review status: criteria provided, conflicting classifications (1 of 4 stars). 6 submissions from 6 submitters: Uncertain significance (2); Likely benign (4). Last evaluated 2025-12-24.

Conditions:
Usher syndrome type 2C. Also called: Usher syndrome, type 2B; USHER SYNDROME, TYPE IIC. Identifiers: Orphanet 231178, Orphanet 886, MedGen C2931213, MONDO:0011558, OMIM 605472.
ADGRV1-related disorder. Also called: ADGRV1-related condition; ADGRV1-related disorders.

Allele frequency attached by ClinVar (database versions not stated): ESP Exome Variant Server 0.00008; ExAC 0.00017; gnomAD 0.00019 and 0.00020; TOPMed 0.00022; 1000 Genomes Project 0.00040; 1000 Genomes Project 30x 0.00047.
gnomAD v4.1: 497 of 1,608,070 alleles (0.031%); highest among the groups gnomAD compares: Admixed American, 0.04%; no homozygotes.

Submissions (6):

Labcorp Genetics (formerly Invitae), Labcorp
Classification: Likely benign. Last evaluated: 2025-12-24. Review status: criteria provided, single submitter. Criteria: Invitae Variant Classification Sherloc (09022015). Collection method: clinical testing. Allele origin: germline.

Blueprint Genetics
Classification: Likely benign. Last evaluated: 2024-11-06. Review status: criteria provided, single submitter. Criteria: ACMG Guidelines, 2015. Collection method: clinical testing. Allele origin: germline.

PreventionGenetics, part of Exact Sciences
Classification: Likely benign for ADGRV1-related condition. Last evaluated: 2024-10-27. Review status: criteria provided, single submitter. Criteria: ACMG Guidelines, 2015. Collection method: clinical testing. Allele origin: germline.
Comment: This variant is classified as likely benign based on ACMG/AMP sequence variant interpretation guidelines (Richards et al. 2015 PMID: 25741868, with internal and published modifications).

GeneDx
Classification: Likely benign. Last evaluated: 2020-12-04. Review status: criteria provided, single submitter. Criteria: GeneDx Variant Classification Process June 2021. Collection method: clinical testing. Allele origin: germline. Affected: yes.

Eurofins Ntd Llc (ga)
Classification: Uncertain significance. Last evaluated: 2017-08-24. Review status: criteria provided, single submitter. Criteria: EGL Classification Definitions 2015. Collection method: clinical testing. Allele origin: germline. Observed: 1 variant allele, 1 heterozygote.

Illumina Laboratory Services, Illumina
Classification: Uncertain significance for Usher syndrome type 2C. Last evaluated: 2017-04-27. Review status: criteria provided, single submitter. Criteria: ICSL Variant Classification Criteria 13 December 2019. Collection method: clinical testing. Allele origin: germline.

NM_032119.4(ADGRV1):c.10550-7C>T

Gene: ADGRV1 (adhesion G protein-coupled receptor V1; plus strand). Cytogenetic location: 5q14.3.
Variant type: single nucleotide variant.
Coding change: c.10550-7C>T on transcript NM_032119.4 (MANE Select); 7 bases into the intron before coding-DNA position 10550, C replaced by T.
Molecular consequence: intron variant.
Genome position (GRCh38, 1-based): chr5:90,745,039, C>T. VCF-style: chr5-90745039-C-T. GRCh37 (hg19) VCF-style: chr5-90040856-C-T.
Identifiers: ClinVar variation 516104 (VCV000516104.24), dbSNP rs191228562, ClinGen allele CA3340785.